The following is an entry in ClinVar:

ClinVar aggregate classification (germline): Conflicting classifications of pathogenicity. Review status: criteria provided, conflicting classifications (1 of 4 stars). 8 submissions from 8 submitters: Uncertain significance (2); Likely benign (6). Last evaluated 2026-08-17.

Conditions:
Hereditary spastic paraplegia. Also called: Familial spastic paraparesis. Identifiers: Orphanet 685, MedGen C0037773, MONDO:0019064. Disease mechanism: loss of function.
Hereditary spastic paraplegia 30. Identifiers: Orphanet 101010, MedGen C5235139, MONDO:0012476.
KIF1A-related disorder. Also called: KIF1A-related disorders; KIF1A-related condition.
Neuropathy, hereditary sensory, type 2C. Also called: KIF1A-Related HSAN2 (HSAN2C); Hereditary sensory and autonomic neuropathy type IIC. Identifiers: Orphanet 970, MedGen C3280168, MONDO:0013634, OMIM 614213.
Intellectual disability, autosomal dominant 9 (NESCAVS). Also called: NESCAV SYNDROME; KIF1A-Related Neurodevelopmental Disorder. Identifiers: Orphanet 662367, MedGen C5393830, MONDO:0013656, OMIM 614255.

Allele frequency attached by ClinVar (database versions not stated): ExAC 0.00008; ESP Exome Variant Server 0.00008; gnomAD 0.00011 and 0.00012; gnomAD exomes 0.00012 and 0.00029; TOPMed 0.00015.
gnomAD v4.1: 439 of 1,613,458 alleles (0.027%); highest among the groups gnomAD compares: Non-Finnish European, 0.035%; no homozygotes.

Submissions (8):

PreventionGenetics, part of Exact Sciences
Classification: Likely benign for KIF1A-related condition. Last evaluated: 2026-08-17. Review status: criteria provided, single submitter. Criteria: ACMG Guidelines, 2015. Collection method: clinical testing. Allele origin: germline.
Comment: This variant is classified as likely benign based on ACMG/AMP sequence variant interpretation guidelines (Richards et al. 2015 PMID: 25741868, with internal and published modifications).

Labcorp Genetics (formerly Invitae), Labcorp
Classification: Likely benign for Hereditary spastic paraplegia 30; Neuropathy, hereditary sensory, type 2C; Intellectual disability, autosomal dominant 9. Last evaluated: 2026-02-02. Review status: criteria provided, single submitter. Criteria: Invitae Variant Classification Sherloc (09022015). Collection method: clinical testing. Allele origin: germline.

Blueprint Genetics
Classification: Likely benign. Last evaluated: 2024-02-05. Review status: criteria provided, single submitter. Criteria: ACMG Guidelines, 2015. Collection method: clinical testing. Allele origin: germline.

CeGaT Center for Human Genetics Tuebingen
Classification: Likely benign. Last evaluated: 2023-05-01. Review status: criteria provided, single submitter. Criteria: CeGaT Center For Human Genetics Tuebingen Variant Classification Criteria Version 2. Collection method: clinical testing. Allele origin: germline. Affected: yes. Observed: 3 variant alleles.
Comment: KIF1A: BP4, BP7

ARUP Laboratories, Molecular Genetics and Genomics, ARUP Laboratories
Classification: Likely benign. Last evaluated: 2023-03-28. Review status: criteria provided, single submitter. Criteria: ARUP Molecular Germline Variant Investigation Process 2024. Collection method: clinical testing. Allele origin: germline.

Genome Diagnostics Laboratory, The Hospital for Sick Children
Classification: Uncertain significance for Hereditary spastic paraplegia. Last evaluated: 2020-07-01. Review status: criteria provided, single submitter. Criteria: ACMG Guidelines, 2015. Collection method: clinical testing. Allele origin: germline. Affected: yes.

GeneDx
Classification: Likely benign. Last evaluated: 2020-01-06. Review status: criteria provided, single submitter. Criteria: GeneDx Variant Classification Process June 2021. Collection method: clinical testing. Allele origin: germline. Affected: yes.

Illumina Laboratory Services, Illumina
Classification: Uncertain significance for Spastic paraplegia 30A, autosomal dominant. Last evaluated: 2018-01-12. Review status: criteria provided, single submitter. Criteria: ICSL Variant Classification Criteria 13 December 2019. Collection method: clinical testing. Allele origin: germline.

NM_001244008.2(KIF1A):c.1221G>A (p.Leu407=)

Gene: KIF1A (kinesin family member 1A; minus strand). Cytogenetic location: 2q37.3.
Variant type: single nucleotide variant.
Coding change: c.1221G>A on transcript NM_001244008.2 (MANE Select); coding-DNA position 1221, G replaced by A.
Protein change: p.Leu407=; no amino-acid change (leucine 407 retained).
Molecular consequence: synonymous variant.
Genome position (GRCh38, 1-based): chr2:240,771,091, C>T on the plus strand (G>A on the coding strand, the complement: KIF1A is on the minus strand). VCF-style: chr2-240771091-C-T. GRCh37 (hg19) VCF-style: chr2-241710508-C-T.
Other names: c.1221G>A (NM_001244008.1); c.1221G>A, p.Leu407= (NM_001320705.2, NM_001330289.2, NM_001379638.1); c.1296G>A, p.Leu432= (NM_001330290.2, NM_001379631.1, NM_001379634.1 and 2 more transcripts); c.1194G>A, p.Leu398= (NM_001379632.1, NM_001379633.1, NM_001379636.1 and 10 more transcripts); c.1269G>A, p.Leu423= (NM_001379637.1, NM_001379648.1).
Identifiers: ClinVar variation 335277 (VCV000335277.54), dbSNP rs201242759, ClinGen allele CA2208473.